The following is an entry in ClinVar:

NM_002439.5(MSH3):c.2336G>A (p.Arg779His)

Gene: MSH3 (mutS homolog 3; plus strand). Cytogenetic location: 5q14.1.
Variant type: single nucleotide variant.
Coding change: c.2336G>A on transcript NM_002439.5 (MANE Select); coding-DNA position 2336, G replaced by A.
Protein change: p.Arg779His; replaces arginine 779 with histidine.
Molecular consequence: missense variant.
Genome position (GRCh38, 1-based): chr5:80,778,737, G>A. VCF-style: chr5-80778737-G-A. GRCh37 (hg19) VCF-style: chr5-80074556-G-A.
Other names: c.2336G>A (NM_002439.3); short protein forms R779H.
Identifiers: ClinVar variation 640523 (VCV000640523.29), dbSNP rs199791286, ClinGen allele CA3328227.

ClinVar aggregate classification (germline): Uncertain significance. Review status: criteria provided, multiple submitters, no conflicts (2 of 4 stars). 7 submissions from 7 submitters: Uncertain significance (7). Last evaluated 2026-02-01.

Conditions:
Endometrial carcinoma. Also called: Endometrial carcinoma, somatic. Identifiers: MedGen C0476089, MONDO:0002447, OMIM 608089, HP:0012114.
Familial adenomatous polyposis 4 (FAP4). Also called: MSH3-related attenuated familial adenomatous polyposis. Identifiers: Orphanet 480536, MedGen C4310719, MONDO:0044300, OMIM 617100.
MSH3-related disorder. Also called: MSH3-related condition.
Hereditary cancer-predisposing syndrome. Also called: Neoplastic Syndromes, Hereditary; Tumor predisposition; Hereditary neoplastic syndrome; Hereditary Cancer Syndrome. Identifiers: Orphanet 140162, MedGen C0027672, MeSH D009386, MONDO:0015356.

Allele frequency attached by ClinVar (database versions not stated): ExAC 0.00024; TOPMed 0.00010; gnomAD 0.00013 and 0.00014; 1000 Genomes Project 30x 0.00016; 1000 Genomes Project 0.00020; gnomAD exomes 0.00022.
gnomAD v4.1: 242 of 1,609,794 alleles (0.015%); highest among the groups gnomAD compares: Non-Finnish European, 0.013%; no homozygotes.

Submissions (7):

Labcorp Genetics (formerly Invitae), Labcorp
Classification: Uncertain significance. Last evaluated: 2026-02-01. Review status: criteria provided, single submitter. Criteria: Invitae Variant Classification Sherloc (09022015). Collection method: clinical testing. Allele origin: germline.
Comment: This sequence change replaces arginine, which is basic and polar, with histidine, which is basic and polar, at codon 779 of the MSH3 protein (p.Arg779His). This variant is present in population databases (rs199791286, gnomAD 0.1%). This variant has not been reported in the literature in individuals affected with MSH3-related conditions. ClinVar contains an entry for this variant (Variation ID: 640523). An algorithm developed to predict the effect of missense changes on protein structure and function (PolyPhen-2) suggests that this variant is likely to be disruptive. In summary, the available evidence is currently insufficient to determine the role of this variant in disease. Therefore, it has been classified as a Variant of Uncertain Significance.

Center for Genomic Medicine, Rigshospitalet, Copenhagen University Hospital
Classification: Uncertain significance. Last evaluated: 2025-12-29. Review status: criteria provided, single submitter. Criteria: ACMG Guidelines, 2015. Collection method: clinical testing. Allele origin: germline.

PreventionGenetics, part of Exact Sciences
Classification: Uncertain significance for MSH3-related condition. Last evaluated: 2025-12-22. Review status: criteria provided, single submitter. Criteria: ACMG Guidelines, 2015. Collection method: clinical testing. Allele origin: germline.
Comment: The MSH3 c.2336G>A variant is predicted to result in the amino acid substitution p.Arg779His. This variant has been reported as a variant of unknown significance in colorectal cancer (Table S2, DeRycke et al. 2017, PubMed ID:28944238) and in a patient with high grade B-cell lymphoma that also encompassed MYC and BCL6 rearrangement (Table S4, Yasuda et al. 2020 PubMed ID: 32619037). This variant is reported in 0.12% of alleles in individuals of European (Finnish) descent in gnomAD and has been interpreted as variant of uncertain significance in the ClinVar database (Variation ID: 640523). At this time, the clinical significance of this variant is uncertain due to the absence of conclusive functional and genetic evidence.

Ambry Genetics
Classification: Uncertain significance for Hereditary cancer-predisposing syndrome. Last evaluated: 2025-11-04. Review status: criteria provided, single submitter. Criteria: Ambry Variant Classification Scheme 2023. Collection method: clinical testing. Allele origin: germline.
Comment: The p.R779H variant (also known as c.2336G>A), located in coding exon 17 of the MSH3 gene, results from a G to A substitution at nucleotide position 2336. The arginine at codon 779 is replaced by histidine, an amino acid with highly similar properties. This variant has been identified in conjunction with another MSH3 variant in individual(s) with features consistent with MSH3-associated polyposis (Ambry internal data). This amino acid position is highly conserved in available vertebrate species. In addition, this alteration is predicted to be deleterious by in silico analysis. Based on the available evidence, the clinical significance of this variant remains unclear.

GeneDx
Classification: Uncertain significance. Last evaluated: 2025-03-09. Review status: criteria provided, single submitter. Criteria: GeneDx Variant Classification Process June 2021. Collection method: clinical testing. Allele origin: germline. Affected: yes.
Comment: In silico analysis supports that this missense variant has a deleterious effect on protein structure/function; Observed in individuals with colorectal, breast, pancreatic, or other cancer (PMID: 28944238, 32619037, 38773787, 39272813); This variant is associated with the following publications: (PMID: 28944238, 32619037, 38773787, 39272813)

Baylor Genetics
Classification: Uncertain significance for Endometrial carcinoma. Last evaluated: 2024-02-16. Review status: criteria provided, single submitter. Criteria: ACMG Guidelines, 2015. Collection method: clinical testing. Allele origin: unknown.

MGZ Medical Genetics Center
Classification: Uncertain significance for Familial adenomatous polyposis 4. Last evaluated: 2022-07-29. Review status: criteria provided, single submitter. Criteria: ACMG Guidelines, 2015. Collection method: clinical testing. Allele origin: germline. Affected: yes. Observed: 1 variant allele.
Comment: ACMG criteria applied: PM2_SUP, PP3, BP1